The following is an entry in ClinVar:

ClinVar aggregate classification (germline): Uncertain significance (1 of 4 stars; one submission).

Conditions:
Zellweger spectrum disorders (ZS). Also called: Zellweger Spectrum Disorder; Zellweger Spectrum; Zellweger syndrome; Zellweger Spectrum Disorder (ZSD). Identifiers: Orphanet 912, MedGen C0043459, MONDO:0019609.

Allele frequency attached by ClinVar (database versions not stated): gnomAD exomes below 0.00001; TOPMed 0.00002.
gnomAD v4.1: 1 of 1,613,870 alleles (0.000062%); highest among the groups gnomAD compares: African/African-American, 0.0013%; no homozygotes.

Submission:

Labcorp Genetics (formerly Invitae), Labcorp
Classification: Uncertain significance for Zellweger spectrum disorders. Last evaluated: 2022-08-09. Review status: criteria provided, single submitter. Criteria: Invitae Variant Classification Sherloc (09022015). Collection method: clinical testing. Allele origin: germline.
Comment: This sequence change replaces leucine, which is neutral and non-polar, with proline, which is neutral and non-polar, at codon 831 of the PEX1 protein (p.Leu831Pro). This variant is not present in population databases (gnomAD no frequency). This variant has not been reported in the literature in individuals affected with PEX1-related conditions. Advanced modeling of protein sequence and biophysical properties (such as structural, functional, and spatial information, amino acid conservation, physicochemical variation, residue mobility, and thermodynamic stability) performed at Invitae indicates that this missense variant is expected to disrupt PEX1 protein function. In summary, the available evidence is currently insufficient to determine the role of this variant in disease. Therefore, it has been classified as a Variant of Uncertain Significance.

NM_000466.3(PEX1):c.2492T>C (p.Leu831Pro)

Gene: PEX1 (peroxisomal biogenesis factor 1; minus strand). Cytogenetic location: 7q21.2.
Variant type: single nucleotide variant.
Coding change: c.2492T>C on transcript NM_000466.3 (MANE Select); coding-DNA position 2492, T replaced by C.
Protein change: p.Leu831Pro; replaces leucine 831 with proline.
Molecular consequence: missense variant.
Genome position (GRCh38, 1-based): chr7:92,501,598, A>G on the plus strand (T>C on the coding strand, the complement: PEX1 is on the minus strand). VCF-style: chr7-92501598-A-G. GRCh37 (hg19) VCF-style: chr7-92130912-A-G.
Other names: c.2321T>C, p.Leu774Pro (NM_001282677.2); c.1868T>C, p.Leu623Pro (NM_001282678.2); short protein forms L831P, L623P, L774P.
Identifiers: ClinVar variation 2170704 (VCV002170704.1), dbSNP rs981072523, ClinGen allele CA161960003.